The following is an entry in ClinVar:

ClinVar aggregate classification (germline): Uncertain significance (1 of 4 stars; one submission).

gnomAD v4.1: 18 of 1,614,048 alleles (0.0011%); highest among the groups gnomAD compares: Non-Finnish European, 0.0014%; no homozygotes.

Submission:

Labcorp Genetics (formerly Invitae), Labcorp
Classification: Uncertain significance. Last evaluated: 2025-01-26. Review status: criteria provided, single submitter. Criteria: Invitae Variant Classification Sherloc (09022015). Collection method: clinical testing. Allele origin: germline.
Comment: This sequence change replaces aspartic acid, which is acidic and polar, with asparagine, which is neutral and polar, at codon 238 of the RPS6KC1 protein (p.Asp238Asn). This variant is present in population databases (rs781402869, gnomAD 0.002%). This variant has not been reported in the literature in individuals affected with RPS6KC1-related conditions. An algorithm developed to predict the effect of missense changes on protein structure and function outputs the following: PolyPhen-2: "Benign". The asparagine amino acid residue is found in multiple mammalian species, which suggests that this missense change does not adversely affect protein function. In summary, the available evidence is currently insufficient to determine the role of this variant in disease. Therefore, it has been classified as a Variant of Uncertain Significance.

NM_012424.6(RPS6KC1):c.712G>A (p.Asp238Asn)

Gene: RPS6KC1 (ribosomal protein S6 kinase C1; plus strand). Cytogenetic location: 1q32.3.
Variant type: single nucleotide variant.
Coding change: c.712G>A on transcript NM_012424.6 (MANE Select); coding-DNA position 712, G replaced by A.
Protein change: p.Asp238Asn; replaces aspartic acid 238 with asparagine.
Molecular consequence: missense variant. On other transcripts: 5 prime UTR variant (13), non-coding transcript variant (3), intron variant (5).
Genome position (GRCh38, 1-based): chr1:213,129,766, G>A. VCF-style: chr1-213129766-G-A. GRCh37 (hg19) VCF-style: chr1-213303109-G-A.
Other names: c.676G>A, p.Asp226Asn (NM_001136138.4); c.169G>A, p.Asp57Asn (NM_001287218.3, NM_001287219.3, NM_001287221.3 and 7 more transcripts); c.-503G>A (NM_001287220.3, NM_001349666.2, NM_001349667.2 and 4 more transcripts); c.712G>A, p.Asp238Asn (NM_001349646.2); c.-576G>A (NM_001349659.2); c.-496G>A (NM_001349660.2, NM_001349661.2, NM_001349662.2); c.-57+12356G>A (NM_001349658.2); c.472+12356G>A (NM_001349647.2); and 4 more; short protein forms D226N, D57N, D238N.
Identifiers: ClinVar variation 3696438 (VCV003696438.2).